The following is an entry in ClinVar:

NM_001353694.2(TIAM1):c.4616G>A (p.Gly1539Asp)

Gene: TIAM1 (TIAM Rac1 associated GEF 1; minus strand). Cytogenetic location: 21q22.11.
Variant type: single nucleotide variant.
Coding change: c.4616G>A on transcript NM_001353694.2 (MANE Select); coding-DNA position 4616, G replaced by A.
Protein change: p.Gly1539Asp; replaces glycine 1539 with aspartic acid.
Molecular consequence: missense variant.
Genome position (GRCh38, 1-based): chr21:31,120,528, C>T on the plus strand (G>A on the coding strand, the complement: TIAM1 is on the minus strand). VCF-style: chr21-31120528-C-T. GRCh37 (hg19) VCF-style: chr21-32492846-C-T.
Other names: c.1715G>A, p.Gly572Asp (NM_001353684.2); c.1640G>A, p.Gly547Asp (NM_001353685.2); c.4541G>A, p.Gly1514Asp (NM_001353686.2, NM_001353687.2); c.4616G>A, p.Gly1539Asp (NM_001353688.1, NM_001353689.1, NM_001353690.1 and 4 more transcripts); short protein forms G1514D, G1539D, G547D, G572D.
Identifiers: ClinVar variation 4533921 (VCV004533921.6).

ClinVar aggregate classification (germline): Likely benign (1 of 4 stars; one submission).

gnomAD v4.1: 1,076 of 1,614,224 alleles (0.067%); highest among the groups gnomAD compares: African/African-American, 1.3%; 11 homozygotes.

Submission:

CeGaT Center for Human Genetics Tuebingen
Classification: Likely benign. Last evaluated: 2025-10-01. Review status: criteria provided, single submitter. Criteria: CeGaT Center For Human Genetics Tuebingen Variant Classification Criteria Version 2. Collection method: clinical testing. Allele origin: germline. Affected: yes. Observed: 1 variant allele.
Comment: TIAM1: BP4, BS1